The following is an entry in ClinVar:

NM_014049.5(ACAD9):c.1636G>A (p.Val546Met)

Genes: ACAD9 (acyl-CoA dehydrogenase family member 9; plus strand), CFAP92 (cilia and flagella associated protein 92 (putative); minus strand). Cytogenetic location: 3q21.3.
Variant type: single nucleotide variant.
Coding change: c.1636G>A on transcript NM_014049.5 (MANE Select); coding-DNA position 1636, G replaced by A.
Protein change: p.Val546Met; replaces valine 546 with methionine.
Molecular consequence: missense variant. On other transcripts: non-coding transcript variant (1), 3 prime UTR variant (3).
Genome position (GRCh38, 1-based): chr3:128,910,093, G>A. VCF-style: chr3-128910093-G-A. GRCh37 (hg19) VCF-style: chr3-128628936-G-A.
Other names: c.1267G>A, p.Val423Met (NM_001410805.1); c.*206C>T (NM_001348520.2, NM_001348521.2, NM_001394090.1); short protein forms V423M, V546M.
Identifiers: ClinVar variation 2160733 (VCV002160733.4), dbSNP rs139352788, ClinGen allele CA2601628.

ClinVar aggregate classification (germline): Conflicting classifications of pathogenicity. Review status: criteria provided, conflicting classifications (1 of 4 stars). 3 submissions from 3 submitters: Pathogenic (1); Uncertain significance (2). Last evaluated 2022-04-12.

Conditions:
Acyl-CoA dehydrogenase 9 deficiency. Also called: Acyl-CoA dehydrogenase family, member 9, deficiency of; MITOCHONDRIAL COMPLEX I DEFICIENCY, NUCLEAR TYPE 20. Identifiers: Orphanet 99901, MedGen C4747517, MONDO:0012624, OMIM 611126.

Allele frequency attached by ClinVar (database versions not stated): TOPMed below 0.00001; ExAC 0.00003; ESP Exome Variant Server 0.00008.
gnomAD v4.1: 25 of 1,613,840 alleles (0.0015%); highest among the groups gnomAD compares: Admixed American, 0.0017%; no homozygotes.

Submissions (3):

Labcorp Genetics (formerly Invitae), Labcorp
Classification: Uncertain significance. Last evaluated: 2022-04-12. Review status: criteria provided, single submitter. Criteria: Invitae Variant Classification Sherloc (09022015). Collection method: clinical testing. Allele origin: germline.
Comment: This sequence change replaces valine, which is neutral and non-polar, with methionine, which is neutral and non-polar, at codon 546 of the ACAD9 protein (p.Val546Met). This variant is present in population databases (rs139352788, gnomAD 0.01%). This variant has not been reported in the literature in individuals affected with ACAD9-related conditions. Algorithms developed to predict the effect of missense changes on protein structure and function output the following: SIFT: "Deleterious"; PolyPhen-2: "Probably Damaging"; Align-GVGD: "Class C0". The methionine amino acid residue is found in multiple mammalian species, which suggests that this missense change does not adversely affect protein function. In summary, the available evidence is currently insufficient to determine the role of this variant in disease. Therefore, it has been classified as a Variant of Uncertain Significance.

Victorian Clinical Genetics Services, Murdoch Childrens Research Institute
Classification: Pathogenic for Acyl-CoA dehydrogenase 9 deficiency. Last evaluated: 2022-02-02. Review status: criteria provided, single submitter. Criteria: ACMG Guidelines, 2015. Collection method: clinical testing. Allele origin: germline. Inheritance: Autosomal recessive inheritance. Affected: yes.
Comment: Based on the classification scheme VCGS_Germline_v1.3.4, this variant is classified as Pathogenic. Following criteria are met: 0102 - Loss of function is a known mechanism of disease in this gene and is associated with mitochondrial complex I deficiency, nuclear type 20 (MIM#611126). (I) 0106 - This gene is associated with autosomal recessive disease. (I) 0200 - Variant is predicted to result in a missense amino acid change from to valine to methionine. (I) 0251 - This variant is heterozygous. (I) 0304 - Variant is present in gnomAD <0.01 for a recessive condition (6 heterozygotes, 0 homozygotes). (SP) 0502 - Missense variant with conflicting in silico predictions and uninformative conservation. (I) 0601 - Variant is located in the well-established functional Acyl-CoA dehydrogenase/oxidase C-terminal domain (PMID: 30025539). (SP) 0704 - Another missense variant comparable to the one identified in this case have limited previous evidence for pathogenicity. A different variant in the same codon resulting in a change to a leucine has also been shown to cause ACA9 deficiency in three siblings (PMID: 27233227). (SP) 0807 - This variant has no previous evidence of pathogenicity. (I) 0905 - No published segregation evidence has been identified for this variant. (I) 1001 - This variant has strong functional evidence supporting abnormal protein function. Western blot analysis on patient fibroblasts shows a specific ACAD9 protein signature with reduced expression of complex I co-assembly factors ECSIT and NDUFAF1 as well as ACAD9 (Brain & Mitochondrial Research MCRI). (SP) 1102 - Strong phenotype match for this individual. (I) Legend: (SP) - Supporting pathogenic, (I) - Information, (SB) - Supporting benign

Blueprint Genetics
Classification: Uncertain significance. Last evaluated: 2018-03-16. Review status: criteria provided, single submitter. Criteria: ACMG Guidelines, 2015. Collection method: clinical testing. Allele origin: germline.

Literature cited by the submitters: PubMed 27233227 (cited by Victorian Clinical Genetics Services, Murdoch Childrens Research Institute); PubMed 30025539 (cited by Victorian Clinical Genetics Services, Murdoch Childrens Research Institute).